The following is an entry in ClinVar:

NM_006031.6(PCNT):c.8752C>T (p.Arg2918Ter)

Gene: PCNT (pericentrin; plus strand). Cytogenetic location: 21q22.3.
Variant type: single nucleotide variant.
Coding change: c.8752C>T on transcript NM_006031.6 (MANE Select); coding-DNA position 8752, C replaced by T.
Protein change: p.Arg2918Ter; replaces arginine 2918 with a stop codon.
Molecular consequence: nonsense.
Genome position (GRCh38, 1-based): chr21:46,435,904, C>T. VCF-style: chr21-46435904-C-T. GRCh37 (hg19) VCF-style: chr21-47855817-C-T.
Other names: c.8161C>T, p.Arg2721Ter (NM_001315529.2); short protein forms R2918*, R2721*.
Identifiers: ClinVar variation 4710 (VCV000004710.6), dbSNP rs119479064, ClinGen allele CA250514.

ClinVar aggregate classification (germline): Pathogenic. Review status: criteria provided, multiple submitters, no conflicts (2 of 4 stars). 3 submissions from 3 submitters: Pathogenic (2). 1 of the submissions does not count toward it. Last evaluated 2023-04-10.

Conditions:
Microcephalic osteodysplastic primordial dwarfism type II (MOPD2). Also called: MOPD II; OSTEODYSPLASTIC PRIMORDIAL DWARFISM, TYPE II; Microcephalic osteodysplastic primordial dwarfism with tooth abnormalities. Identifiers: Orphanet 2637, MedGen C0432246, MONDO:0008872, OMIM 210720.

Allele frequency attached by ClinVar (database versions not stated): gnomAD 0.00001.
gnomAD v4.1: 11 of 1,613,992 alleles (0.00068%); highest among the groups gnomAD compares: Non-Finnish European, 0.00093%; no homozygotes.

Submissions (3):

Labcorp Genetics (formerly Invitae), Labcorp
Classification: Pathogenic. Last evaluated: 2023-04-10. Review status: criteria provided, single submitter. Criteria: Invitae Variant Classification Sherloc (09022015). Collection method: clinical testing. Allele origin: germline.
Comment: ClinVar contains an entry for this variant (Variation ID: 4710). For these reasons, this variant has been classified as Pathogenic. This premature translational stop signal has been observed in individual(s) with primordial dwarfism (PMID: 18174396). This variant is not present in population databases (gnomAD no frequency). This sequence change creates a premature translational stop signal (p.Arg2918*) in the PCNT gene. It is expected to result in an absent or disrupted protein product. Loss-of-function variants in PCNT are known to be pathogenic (PMID: 18174396, 22821869).

Juno Genomics, Hangzhou Juno Genomics, Inc
Classification: Pathogenic for Microcephalic osteodysplastic primordial dwarfism type II. Review status: criteria provided, single submitter. Criteria: ACMG Guidelines, 2015. Collection method: clinical testing. Allele origin: germline.
Comment: Absent from controls (or at extremely low frequency if recessive) in Genome Aggregation Database.;Null variant in a gene where loss of function (LOF) is a known mechanism of disease.;For recessive disorders, detected in trans with a pathogenic variant.;Patient's phenotype or family history is highly specific for a disease with a single genetic etiology.

OMIM
Classification: Pathogenic for MICROCEPHALIC OSTEODYSPLASTIC PRIMORDIAL DWARFISM, TYPE II. Last evaluated: 2008-02-08. Review status: no assertion criteria provided. Collection method: literature only. Allele origin: germline. Not counted in ClinVar's aggregate classification.

Literature cited by the submitters: PubMed 18174396 (cited by Labcorp Genetics (formerly Invitae), Labcorp and OMIM); PubMed 22821869 (cited by Labcorp Genetics (formerly Invitae), Labcorp).